The following is an entry in ClinVar:

ClinVar aggregate classification (germline): Likely benign. Review status: criteria provided, multiple submitters, no conflicts (2 of 4 stars). 2 submissions from 2 submitters: Likely benign (2). Last evaluated 2025-02-12.

Conditions:
DMXL2-related disorder. Also called: DMXL2-related condition.

Allele frequency attached by ClinVar (database versions not stated): TOPMed 0.00001; gnomAD exomes 0.00003 and 0.00006; ExAC 0.00006.
gnomAD v4.1: 20 of 1,613,740 alleles (0.0012%); highest among the groups gnomAD compares: Admixed American, 0.032%; no homozygotes.

Submissions (2):

Labcorp Genetics (formerly Invitae), Labcorp
Classification: Likely benign. Last evaluated: 2025-02-12. Review status: criteria provided, single submitter. Criteria: Invitae Variant Classification Sherloc (09022015). Collection method: clinical testing. Allele origin: germline.

PreventionGenetics, part of Exact Sciences
Classification: Likely benign for DMXL2-related condition. Last evaluated: 2024-12-31. Review status: criteria provided, single submitter. Criteria: ACMG Guidelines, 2015. Collection method: clinical testing. Allele origin: germline.
Comment: This variant is classified as likely benign based on ACMG/AMP sequence variant interpretation guidelines (Richards et al. 2015 PMID: 25741868, with internal and published modifications).

NM_001378457.1(DMXL2):c.2115A>G (p.Gln705=)

Gene: DMXL2 (Dmx like 2; minus strand). Cytogenetic location: 15q21.2.
Variant type: single nucleotide variant.
Coding change: c.2115A>G on transcript NM_001378457.1 (MANE Select); coding-DNA position 2115, A replaced by G.
Protein change: p.Gln705=; no amino-acid change (glutamine 705 retained).
Molecular consequence: synonymous variant. On other transcripts: non-coding transcript variant (2).
Genome position (GRCh38, 1-based): chr15:51,536,365, T>C on the plus strand (A>G on the coding strand, the complement: DMXL2 is on the minus strand). VCF-style: chr15-51536365-T-C. GRCh37 (hg19) VCF-style: chr15-51828562-T-C.
Other names: c.2115A>G, p.Gln705= (NM_001174116.3, NM_001174117.3, NM_001378458.1 and 6 more transcripts); c.1875A>G, p.Gln625= (NM_001378464.1); c.2115A>G (NM_001174116.1).
Identifiers: ClinVar variation 1438641 (VCV001438641.7), dbSNP rs749067748, ClinGen allele CA7562445.